The following is an entry in ClinVar:

ClinVar aggregate classification (germline): Uncertain significance (1 of 4 stars; one submission).

Conditions:
Dystonia 12 (DYT12). Also called: DYT-ATP1A3; Rapid-Onset Dystonia-Parkinsonism (RDP). Identifiers: Orphanet 71517, MedGen C1868681, MONDO:0007496, OMIM 128235.

Allele frequency attached by ClinVar (database versions not stated): TOPMed below 0.00001; ExAC 0.00001; gnomAD 0.00001.
gnomAD v4.1: 1 of 1,613,914 alleles (0.000062%); highest among the groups gnomAD compares: African/African-American, 0.0013%; no homozygotes.

Submission:

Labcorp Genetics (formerly Invitae), Labcorp
Classification: Uncertain significance for Dystonia 12. Last evaluated: 2023-07-10. Review status: criteria provided, single submitter. Criteria: Invitae Variant Classification Sherloc (09022015). Collection method: clinical testing. Allele origin: germline.
Comment: This sequence change replaces valine, which is neutral and non-polar, with leucine, which is neutral and non-polar, at codon 903 of the ATP1A3 protein (p.Val903Leu). In summary, the available evidence is currently insufficient to determine the role of this variant in disease. Therefore, it has been classified as a Variant of Uncertain Significance. Advanced modeling of protein sequence and biophysical properties (such as structural, functional, and spatial information, amino acid conservation, physicochemical variation, residue mobility, and thermodynamic stability) performed at Invitae indicates that this missense variant is not expected to disrupt ATP1A3 protein function. ClinVar contains an entry for this variant (Variation ID: 2145288). This variant has not been reported in the literature in individuals affected with ATP1A3-related conditions. This variant is present in population databases (rs782727690, gnomAD 0.007%).

NM_152296.5(ATP1A3):c.2707G>T (p.Val903Leu)

Gene: ATP1A3 (ATPase Na+/K+ transporting subunit alpha 3; minus strand). Cytogenetic location: 19q13.2.
Variant type: single nucleotide variant.
Coding change: c.2707G>T on transcript NM_152296.5 (MANE Select); coding-DNA position 2707, G replaced by T.
Protein change: p.Val903Leu; replaces valine 903 with leucine.
Molecular consequence: missense variant.
Genome position (GRCh38, 1-based): chr19:41,968,897, C>A on the plus strand (G>T on the coding strand, the complement: ATP1A3 is on the minus strand). VCF-style: chr19-41968897-C-A. GRCh37 (hg19) VCF-style: chr19-42473049-C-A.
Other names: c.2740G>T, p.Val914Leu (NM_001256213.2); c.2746G>T, p.Val916Leu (NM_001256214.2); short protein forms V916L, V914L, V903L.
Identifiers: ClinVar variation 2145288 (VCV002145288.4), dbSNP rs782727690, ClinGen allele CA9467298.